The following is an entry in ClinVar:

ClinVar aggregate classification (germline): Likely benign (1 of 4 stars; one submission).

gnomAD v4.1: 48 of 1,614,138 alleles (0.003%); highest among the groups gnomAD compares: Admixed American, 0.075%; no homozygotes.

Submission:

CeGaT Center for Human Genetics Tuebingen
Classification: Likely benign. Last evaluated: 2026-01-01. Review status: criteria provided, single submitter. Criteria: CeGaT Center For Human Genetics Tuebingen Variant Classification Criteria Version 2. Collection method: clinical testing. Allele origin: germline. Affected: yes. Observed: 1 variant allele.
Comment: AVIL: BP4, BP7

NM_006576.4(AVIL):c.2301C>T (p.Asn767=)

Genes: AVIL (advillin; minus strand), TSFM (Ts translation elongation factor, mitochondrial; plus strand). Cytogenetic location: 12q14.1.
Variant type: single nucleotide variant.
Coding change: c.2301C>T on transcript NM_006576.4 (MANE Select); coding-DNA position 2301, C replaced by T.
Protein change: p.Asn767=; no amino-acid change (asparagine 767 retained).
Molecular consequence: synonymous variant. On other transcripts: intron variant (1).
Genome position (GRCh38, 1-based): chr12:57,799,840, G>A on the plus strand (C>T on the coding strand, the complement: AVIL is on the minus strand). VCF-style: chr12-57799840-G-A. GRCh37 (hg19) VCF-style: chr12-58193623-G-A.
Other names: c.572-2715G>A (NM_001172697.2).
Identifiers: ClinVar variation 4822270 (VCV004822270.4).